The following is an entry in ClinVar:

ClinVar aggregate classification (germline): Likely benign. Review status: criteria provided, single submitter (1 of 4 stars). 2 submissions from 2 submitters: Likely benign (1). 1 of the submissions does not count toward it. Last evaluated 2025-04-17.

Conditions:
Inborn genetic diseases. Identifiers: MedGen C0950123, MeSH D030342.
DNMT3A-related disorder. Also called: DNMT3A-related condition; DNMT3A-related disorders.

gnomAD v4.1: 4 of 1,613,804 alleles (0.00025%); highest among the groups gnomAD compares: Non-Finnish European, 0.00034%; no homozygotes.

Submissions (2):

Ambry Genetics
Classification: Likely benign for Inborn genetic diseases. Last evaluated: 2025-04-17. Review status: criteria provided, single submitter. Criteria: Ambry Variant Classification Scheme 2023. Collection method: clinical testing. Allele origin: germline.

PreventionGenetics, part of Exact Sciences
Classification: Likely benign for DNMT3A-related condition. Last evaluated: 2023-04-11. Review status: no assertion criteria provided. Collection method: clinical testing. Allele origin: germline. Not counted in ClinVar's aggregate classification.
Comment: This variant is classified as likely benign based on ACMG/AMP sequence variant interpretation guidelines (Richards et al. 2015 PMID: 25741868, with internal and published modifications).

NM_022552.5(DNMT3A):c.1476C>T (p.Asp492=)

Gene: DNMT3A (DNA methyltransferase 3 alpha; minus strand). Cytogenetic location: 2p23.3.
Variant type: single nucleotide variant.
Coding change: c.1476C>T on transcript NM_022552.5 (MANE Select); coding-DNA position 1476, C replaced by T.
Protein change: p.Asp492=; no amino-acid change (aspartic acid 492 retained).
Molecular consequence: synonymous variant. On other transcripts: non-coding transcript variant (1).
Genome position (GRCh38, 1-based): chr2:25,245,331, G>A on the plus strand (C>T on the coding strand, the complement: DNMT3A is on the minus strand). VCF-style: chr2-25245331-G-A. GRCh37 (hg19) VCF-style: chr2-25468200-G-A.
Other names: c.1020C>T, p.Asp340= (NM_001320893.1); c.807C>T, p.Asp269= (NM_001375819.1); c.909C>T, p.Asp303= (NM_153759.3); c.1476C>T, p.Asp492= (NM_175629.2); c.1476C>T (NM_022552.3).
Identifiers: ClinVar variation 3356124 (VCV003356124.2).